The following is an entry in ClinVar:

GRCh37/hg19 2p16.3(chr2:51201101-51512609)x1

Gene: NRXN1 (neurexin 1; minus strand). Cytogenetic location: 2p16.3.
Variant type: copy number loss.
Change: copy number 1 (one copy instead of two) of chr2:51,201,101-51,512,609 (311.5 kb, GRCh37 coordinates, 1-based), cytogenetic band 2p16.3.
Identifiers: ClinVar variation 2684564 (VCV002684564.1).

ClinVar aggregate classification (germline): Pathogenic (1 of 4 stars; one submission).

Submission:

Quest Diagnostics Nichols Institute San Juan Capistrano
Classification: Pathogenic. Last evaluated: 2023-06-28. Review status: criteria provided, single submitter. Criteria: ACMG/ClinGen CNV Guidelines, 2019. Collection method: clinical testing. Allele origin: unknown.
Comment: This deletion involves multiple exons of the 5' portion of NRXN1 (OMIM 600565). Heterozygous exonic deletions of NRXN1 are associated with a wide spectrum of neurodevelopmental and neuropsychiatric disorders. See reviews in Fuccillo and Pak 2021; Castronovo 2020; Cosemans 2020. Deletions of the 5' region of NRXN1 are enriched in patients with neurodevelopmental disorders versus controls (Lowther 2017). However, there is evidence for reduced penetrance (Cosemans 2020, Lowther 2017; Al Shehhi 2019). The current deletion overlaps losses reported in the general populations in the Database of Genomic Variants. Thus, this copy number variant is interpreted as pathogenic with incomplete penetrance and variable expressivity. References: Fuccillo and Pak. Curr Opin Genet Dev 2021 Jun;68:64-70 PMID:33756113 Castronovo et al. Clin Genet 2020 97:125137 PMID:30873608 Cosem ans et al. J Med Genet 2020 May;57(5):347-355 PMID:31932357 Lowther et al. Genet Med. 2017 Jan;19(1):53-61. PMID: 27195815 Al Shehhi et al. Eur J Med Genet 2019 Mar;62(3):204-209 PMID:30031152